The following is an entry in ClinVar:

NM_007294.4(BRCA1):c.3598C>T (p.Gln1200Ter)

Genes: BRCA1 (BRCA1 DNA repair associated; minus strand), LOC126862571 (BRD4-independent group 4 enhancer GRCh37_chr17:41243136-41244335; plus strand). Cytogenetic location: 17q21.31.
Variant type: single nucleotide variant.
Coding change: c.3598C>T on transcript NM_007294.4 (MANE Select); coding-DNA position 3598, C replaced by T.
Protein change: p.Gln1200Ter; replaces glutamine 1200 with a stop codon.
Molecular consequence: nonsense. On other transcripts: intron variant (135).
Genome position (GRCh38, 1-based): chr17:43,091,933, G>A on the plus strand (C>T on the coding strand, the complement: BRCA1 is on the minus strand). VCF-style: chr17-43091933-G-A. GRCh37 (hg19) VCF-style: chr17-41243950-G-A.
Other names: p.Q1200*:CAG>TAG; 3717C>T; c.3385C>T, p.Gln1129Ter (NM_001407571.1, NM_001407853.1, NM_001407894.1 and 9 more transcripts); c.3598C>T, p.Gln1200Ter (NM_001407581.1, NM_001407582.1, NM_001407583.1 and 30 more transcripts); c.3595C>T, p.Gln1199Ter (NM_001407587.1, NM_001407590.1, NM_001407591.1 and 22 more transcripts); c.3589C>T, p.Gln1197Ter (NM_001407646.1, NM_001407647.1); c.3475C>T, p.Gln1159Ter (NM_001407648.1, NM_001407664.1, NM_001407665.1 and 19 more transcripts); c.3472C>T, p.Gln1158Ter (NM_001407649.1, NM_001407670.1, NM_001407671.1 and 11 more transcripts); and 43 more; short protein forms Q1200*, Q1153*, Q1032*, Q1088*, Q1089*, Q1111*, Q1112*, Q1152*.
Identifiers: ClinVar variation 54929 (VCV000054929.63), dbSNP rs62625307, ClinGen allele CA002296.

ClinVar aggregate classification (germline): Pathogenic. Review status: reviewed by expert panel (3 of 4 stars). 25 submissions from 25 submitters: Pathogenic (1). 24 of the submissions do not count toward it. Last evaluated 2016-04-22.

Conditions:
Inherited ovarian cancer (without breast cancer).
BRCA1-related disorder. Also called: BRCA1-related condition.
Fanconi anemia, complementation group S (FANCS). Identifiers: MedGen C4554406, MONDO:0054748, OMIM 617883.
Pancreatic cancer, susceptibility to, 4. Identifiers: Orphanet 1333, MedGen C3280442, MONDO:0013685, OMIM 614320.
Breast-ovarian cancer, familial, susceptibility to, 1 (BROVCA1). Also called: BRCA1 Hereditary Breast and Ovarian Cancer; OVARIAN CANCER, SUSCEPTIBILITY TO. Identifiers: Orphanet 145, MedGen C2676676, MONDO:0011450, OMIM 604370. Disease mechanism: loss of function.
Familial cancer of breast. Also called: BREAST CANCER, FAMILIAL; hereditary breast carcinoma; Hereditary breast cancer. Identifiers: Orphanet 227535, MedGen C0346153, MONDO:0016419, OMIM 114480. Disease mechanism: loss of function.
Hereditary cancer-predisposing syndrome. Also called: Hereditary Cancer Syndrome; Tumor predisposition; Neoplastic Syndromes, Hereditary; Hereditary neoplastic syndrome. Identifiers: Orphanet 140162, MedGen C0027672, MeSH D009386, MONDO:0015356.
Hereditary breast ovarian cancer syndrome. Also called: Breast and ovarian cancer; BRCA1- and BRCA2-Associated Hereditary Breast and Ovarian Cancer; Hereditary breast and ovarian cancer; Hereditary breast and ovarian cancer syndrome (HBOC); Hereditary breast and ovarian cancer syndrome; Hereditary breast and/or ovarian cancer syndrome. Identifiers: Orphanet 145, MedGen C0677776, MeSH D061325, MONDO:0003582. Disease mechanism: loss of function.

Allele frequency attached by ClinVar (database versions not stated): gnomAD exomes below 0.00001; TOPMed below 0.00001.
gnomAD v4.1: 4 of 1,614,098 alleles (0.00025%); highest among the groups gnomAD compares: South Asian, 0.0011%; no homozygotes.

Submissions 1 to 8 of 25:

Evidence-based Network for the Interpretation of Germline Mutant Alleles (ENIGMA)
Classification: Pathogenic for Breast-ovarian cancer, familial, susceptibility to, 1. Last evaluated: 2016-04-22. Review status: reviewed by expert panel. Criteria: ENIGMA BRCA1/2 Classification Criteria (2015). Collection method: curation. Allele origin: germline.
Comment: Variant allele predicted to encode a truncated non-functional protein.

Genetics Laboratory, Great Ormond Street Hospital NHS Foundation Trust, North Thames Genomic Laboratory Hub
Classification: Pathogenic for Inherited ovarian cancer (without breast cancer). Last evaluated: 2026-08-26. Review status: criteria provided, single submitter. Criteria: CanVIG BRCA Gene Specific V1.22. Collection method: clinical testing. Allele origin: germline. Affected: yes. Not counted in ClinVar's aggregate classification.
Comment: PS4_very-strong, PM2_supporting, PVS1_very-strong, PM5_strong, PP4_strong

Labcorp Genetics (formerly Invitae), Labcorp
Classification: Pathogenic for Hereditary breast ovarian cancer syndrome. Last evaluated: 2026-01-19. Review status: criteria provided, single submitter. Criteria: Invitae Variant Classification Sherloc (09022015). Collection method: clinical testing. Allele origin: germline. Not counted in ClinVar's aggregate classification.
Comment: This sequence change creates a premature translational stop signal (p.Gln1200*) in the BRCA1 gene. It is expected to result in an absent or disrupted protein product. Loss-of-function variants in BRCA1 are known to be pathogenic (PMID: 20104584). This variant is present in population databases (rs62625307, gnomAD 0.003%). This premature translational stop signal has been observed in individual(s) with breast and ovarian cancer (PMID: 9452076, 22006311, 22711857, 24333842, 25682074). This variant is also known as 3717C>T. ClinVar contains an entry for this variant (Variation ID: 54929). For these reasons, this variant has been classified as Pathogenic.

Helix
Classification: Pathogenic for Breast-ovarian cancer, familial, susceptibility to, 1. Last evaluated: 2025-10-08. Review status: criteria provided, single submitter. Criteria: ACMG Guidelines, 2015. Collection method: clinical testing. Allele origin: germline. Inheritance: Autosomal dominant inheritance. Not counted in ClinVar's aggregate classification.
Comment: This variant (NM_007294.4:c.3598C>T p.Gln1200Ter) results in the creation of a premature stop codon in the BRCA1 gene. It is predicted to result in nonsense-mediated mRNA decay or in the production of a truncated protein, leading to loss-of-function (LOF). LOF variants in this gene are known to be deleterious (PMID: 20104584, 20301575). It is present in the gnomAD population database (v4.1) at the highest allele frequency in the South Asian subpopulation among non-founder subpopulations (1/91078 alleles, 0.0011%). This variant has been observed in individual(s) with a personal and/or family history of BRCA1-related conditions (PMID: 9452076, 12181777, 15955237, 16162645, 18159056, 22006311, 22711857, 25371446, 25682074, 33606809). An analysis of the personal and family history of cancer of 6 probands supports that this variant is deleterious (PMID: 31853058). This variant is present in ClinVar (Accession: VCV000054929.53). In conclusion, this variant has been classified as Pathogenic.

Color Diagnostics, LLC DBA Color Health
Classification: Pathogenic for Hereditary cancer-predisposing syndrome. Last evaluated: 2025-03-24. Review status: criteria provided, single submitter. Criteria: ACMG Guidelines, 2015. Collection method: clinical testing. Allele origin: germline. Not counted in ClinVar's aggregate classification.
Comment: This variant changes 1 nucleotide in exon 10 of the BRCA1 gene, creating a premature translation stop signal. This variant is expected to result in an absent or non-functional protein product. This variant has been reported in at least 10 individuals affected with breast and ovarian cancer (PMID: 9452076, 12181777, 15955237, 16162645, 18159056, 22006311, 22711857, 25371446, 25682074, 27553291, 33606809). A multifactorial analysis has reported a likelihood ratio for pathogenicity based on personal and family history of 200.65 from log(LR)=2.302 for 6 carriers (PMID: 31853058). This variant has been identified in 1/250916 chromosomes in the general population by the Genome Aggregation Database (gnomAD). Loss of BRCA1 function is a known mechanism of disease. Based on the available evidence, this variant is classified as Pathogenic.

Ambry Genetics
Classification: Pathogenic for Hereditary cancer-predisposing syndrome. Last evaluated: 2025-01-12. Review status: criteria provided, single submitter. Criteria: Ambry Variant Classification Scheme 2023. Collection method: clinical testing. Allele origin: germline. Not counted in ClinVar's aggregate classification.
Comment: The p.Q1200* pathogenic mutation (also known as c.3598C>T), located in coding exon 9 of the BRCA1 gene, results from a C to T substitution at nucleotide position 3598. This changes the amino acid from a glutamine to a stop codon within coding exon 9. This mutation has been identified in multiple individuals/families with hereditary breast and ovarian cancer (HBOC) syndrome (Tartaglini E et al. Hum. Mutat. 1998;Suppl 1:S163-6; Liede A et al. Am J Hum Genet, 2002 Sep;71:595-606; Latimer JJ et al. BMC Med. Genet. 2005 Jun;6:26; John EM et al. JAMA, 2007 Dec;298:2869-76; Walsh T et al. Proc. Natl. Acad. Sci. U.S.A. 2011 Nov;108:18032-7; Alsop K et al. J Clin Oncol, 2012 Jul;30:2654-63; Wong-Brown MW et al. Breast Cancer Res Treat, 2015 Feb;150:71-80; Torres-Mej&iacute;a G et al. Cancer Epidemiol. Biomarkers Prev. 2015 Mar;24:498-505; Villarreal-Garza C et al. Breast Cancer Res Treat, 2015 Apr;150:389-94; Rashid MU et al. BMC Cancer. 2016 08;16:673; Alemar B et al. Cancer Genet. 2016 Sep;209:417-422; Rebbeck TR et al. Hum Mutat, 2018 05;39:593-620; Shao D et al. Cancer Sci, 2020 Feb;111:647-657; Sandoval RL et al. PLoS One, 2021 Feb;16:e0247363). Of note, this alteration is also designated as 3717C>T in published literature. In addition to the clinical data presented in the literature, this alteration is expected to result in loss of function by premature protein truncation or nonsense-mediated mRNA decay. As such, this alteration is interpreted as a disease-causing mutation.

Quest Diagnostics Nichols Institute San Juan Capistrano
Classification: Pathogenic. Last evaluated: 2024-10-25. Review status: criteria provided, single submitter. Criteria: Quest Diagnostics criteria. Collection method: clinical testing. Allele origin: unknown. Not counted in ClinVar's aggregate classification.
Comment: The BRCA1 c.3598C>T (p.Gln1200*) variant causes the premature termination of BRCA1 protein synthesis. This variant has been reported in the published literature in individuals with breast and/or ovarian cancer (PMIDs: 35377489 (2022), 33758026 (2022), 33606809 (2021), 33471991 (2021) see also LOVD, 31742824 (2020), 31528241 (2019), 31454914 (2019), 29161300 (2017), 28888541 (2017), 27553291 (2016), 25371446 (2014), 22006311 (2011), 18159056 (2007), 16162645 (2006), 15955237 (2005)). The frequency of this variant in the general population, 0.000004 (1/250916 chromosomes (Genome Aggregation Database)), is consistent with pathogenicity. Based on the available information, this variant is classified as pathogenic.

CeGaT Center for Human Genetics Tuebingen
Classification: Pathogenic. Last evaluated: 2024-07-01. Review status: criteria provided, single submitter. Criteria: CeGaT Center For Human Genetics Tuebingen Variant Classification Criteria Version 2. Collection method: clinical testing. Allele origin: germline. Affected: yes. Observed: 1 variant allele. Not counted in ClinVar's aggregate classification.
Comment: BRCA1: PVS1, PM2, PS4:Moderate